The following is an entry in ClinVar:

ClinVar aggregate classification (germline): Pathogenic (1 of 4 stars; one submission).

Conditions:
Osteogenesis imperfecta type I (OI1). Also called: Lobstein disease; OI, TYPE I; OSTEOGENESIS IMPERFECTA TARDA; OSTEOGENESIS IMPERFECTA WITH BLUE SCLERAE; Osteogenesis imperfecta type 1; Classic Non-deforming Osteogenesis Imperfecta with Blue Sclerae. Identifiers: Orphanet 216796, Orphanet 666, MedGen C0023931, MONDO:0008146, OMIM 166200. Disease mechanism: loss of function.

Submission:

Labcorp Genetics (formerly Invitae), Labcorp
Classification: Pathogenic for Osteogenesis imperfecta type I. Last evaluated: 2022-02-27. Review status: criteria provided, single submitter. Criteria: Invitae Variant Classification Sherloc (09022015). Collection method: clinical testing. Allele origin: germline.
Comment: For these reasons, this variant has been classified as Pathogenic. This variant has not been reported in the literature in individuals affected with COL1A1-related conditions. This variant is not present in population databases (gnomAD no frequency). This sequence change creates a premature translational stop signal (p.Gly566Aspfs*14) in the COL1A1 gene. It is expected to result in an absent or disrupted protein product. Loss-of-function variants in COL1A1 are known to be pathogenic (PMID: 7942841, 9295084, 9443882).

Literature cited by the submitters: PubMed 7942841; PubMed 9295084; PubMed 9443882.

NM_000088.4(COL1A1):c.1695del (p.Gly566fs)

Gene: COL1A1 (collagen type I alpha 1 chain; minus strand). Cytogenetic location: 17q21.33.
Variant type: Deletion.
Coding change: c.1695del on transcript NM_000088.4 (MANE Select); coding-DNA position 1695, one base deleted (C; older notation c.1695delC).
Protein change: p.Gly566fs; shifts the reading frame from glycine 566.
Molecular consequence: frameshift variant.
Genome position (GRCh38, 1-based): chr17:50,194,015, G deleted on the plus strand (C on the coding strand, the reverse complement: COL1A1 is on the minus strand); the first of 4 consecutive G bases (chr17:50,194,015-50,194,018); deleting any one gives the same sequence. VCF-style (leftmost placement, unchanged base first): chr17-50194014-CG-C. GRCh37 (hg19) VCF-style: chr17-48271375-CG-C.
Other names: short protein forms G566fs.
Identifiers: ClinVar variation 2104032 (VCV002104032.4), dbSNP rs2509215666, ClinGen allele CA2580094410.